The following is an entry in ClinVar:

ClinVar aggregate classification (germline): Likely benign (1 of 4 stars; one submission).

Submission:

GeneDx
Classification: Likely benign. Last evaluated: 2022-02-27. Review status: criteria provided, single submitter. Criteria: GeneDx Variant Classification Process June 2021. Collection method: clinical testing. Allele origin: germline. Affected: yes.
Comment: See Variant Classification Assertion Criteria.

NM_001374736.1(DST):c.688-148dup

Gene: DST (dystonin; minus strand). Cytogenetic location: 6p12.1.
Variant type: Duplication.
Coding change: c.688-148dup on transcript NM_001374736.1 (MANE Select); 148 bases into the intron before coding-DNA position 688, one base duplicated (T; older notation c.688-148dupT).
Molecular consequence: intron variant.
Genome position (GRCh38, 1-based): chr6:56,704,517, A duplicated on the plus strand (T on the coding strand, the reverse complement: DST is on the minus strand); the first of 5 consecutive A bases (chr6:56,704,517-56,704,521); duplicating any one gives the same sequence. VCF-style (leftmost placement, unchanged base first): chr6-56704516-T-TA. GRCh37 (hg19) VCF-style: chr6-56569314-T-TA.
Other names: c.688-148dup (NM_001144769.5, NM_001374722.1); c.715-148dup (NM_001374734.1); c.274-148dup (NM_001144770.2); c.154-148dup (NM_001374730.1, NM_001386100.1, NM_183380.4 and 1 more transcripts).
Identifiers: ClinVar variation 1703400 (VCV001703400.2), dbSNP rs138207148, ClinGen allele CA139699581.